The following is an entry in ClinVar:

NM_052947.4(ALPK2):c.5352A>T (p.Arg1784Ser)

Genes: ALPK2 (alpha kinase 2; minus strand), LOC130062577 (ATAC-STARR-seq lymphoblastoid active region 13389; plus strand). Cytogenetic location: 18q21.31.
Variant type: single nucleotide variant.
Coding change: c.5352A>T on transcript NM_052947.4 (MANE Select); coding-DNA position 5352, A replaced by T.
Protein change: p.Arg1784Ser; replaces arginine 1784 with serine.
Molecular consequence: missense variant.
Genome position (GRCh38, 1-based): chr18:58,534,835, T>A on the plus strand (A>T on the coding strand, the complement: ALPK2 is on the minus strand). VCF-style: chr18-58534835-T-A. GRCh37 (hg19) VCF-style: chr18-56202067-T-A.
Other names: short protein forms R1784S.
Identifiers: ClinVar variation 1747015 (VCV001747015.2), dbSNP rs2051634397, ClinGen allele CA402556826.

ClinVar aggregate classification (germline): Uncertain significance (1 of 4 stars; one submission).

Allele frequency attached by ClinVar (database versions not stated): gnomAD 0.00001.
gnomAD v4.1: 1 of 1,605,644 alleles (0.000062%); highest among the groups gnomAD compares: African/African-American, 0.0013%; no homozygotes.

Submission:

Ambry Genetics
Classification: Uncertain significance. Last evaluated: 2022-05-03. Review status: criteria provided, single submitter. Criteria: Ambry Variant Classification Scheme 2023. Collection method: clinical testing. Allele origin: germline.
Comment: The p.R1784S variant (also known as c.5352A>T), located in coding exon 4 of the ALPK2 gene, results from an A to T substitution at nucleotide position 5352. The arginine at codon 1784 is replaced by serine, an amino acid with dissimilar properties. This amino acid position is conserved. In addition, this alteration is predicted to be tolerated by in silico analysis. Since supporting evidence is limited at this time, the clinical significance of this alteration remains unclear.